The following is an entry in ClinVar:

NM_000388.4(CASR):c.1847_1850del (p.Leu616fs)

Gene: CASR (calcium sensing receptor; plus strand). Cytogenetic location: 3q21.1.
Variant type: Deletion.
Coding change: c.1847_1850del on transcript NM_000388.4 (MANE Select); coding-DNA positions 1847 to 1850, 4 bases deleted (TCAC; older notation c.1847_1850delTCAC).
Protein change: p.Leu616fs; shifts the reading frame from leucine 616.
Molecular consequence: frameshift variant.
Genome position (GRCh38, 1-based): chr3:122,283,801-122,283,804, TCAC deleted; deleting any 4 consecutive bases within chr3:122,283,798-122,283,804 gives the same sequence; the c. name uses the placement nearest the transcript's 3' end. VCF-style (leftmost placement, unchanged base first): chr3-122283797-GCACT-G. GRCh37 (hg19) VCF-style: chr3-122002644-GCACT-G.
Other names: c.1877_1880del, p.Leu626fs (NM_001178065.2); short protein forms L616fs, L626fs.
Identifiers: ClinVar variation 2946062 (VCV002946062.3), dbSNP rs2473276542, ClinGen allele CA2740094570.

ClinVar aggregate classification (germline): Pathogenic (1 of 4 stars; one submission).

Conditions:
Autosomal dominant hypocalcemia 1 (HYPOC1). Also called: HYPOCALCEMIA, FAMILIAL. Identifiers: MedGen C3715128, MONDO:0011013, OMIM 601198.
Familial hypocalciuric hypercalcemia (FHH). Also called: Familial benign hypercalcemia. Identifiers: Orphanet 405, MedGen C1809471, MONDO:0018458.

Submission:

Labcorp Genetics (formerly Invitae), Labcorp
Classification: Pathogenic for Familial hypocalciuric hypercalcemia; Autosomal dominant hypocalcemia 1. Last evaluated: 2025-10-15. Review status: criteria provided, single submitter. Criteria: Invitae Variant Classification Sherloc (09022015). Collection method: clinical testing. Allele origin: germline.
Comment: This sequence change creates a premature translational stop signal (p.Leu616Profs*10) in the CASR gene. While this is not anticipated to result in nonsense mediated decay, it is expected to disrupt the last 463 amino acid(s) of the CASR protein. This variant is not present in population databases (gnomAD no frequency). This variant has not been reported in the literature in individuals affected with CASR-related conditions. ClinVar contains an entry for this variant (Variation ID: 2946062). This variant disrupts a region of the CASR protein in which other variant(s) (p.Trp718*) have been determined to be pathogenic (PMID: 9395465, 18796518). This suggests that this is a clinically significant region of the protein, and that variants that disrupt it are likely to be disease-causing. For these reasons, this variant has been classified as Pathogenic.

Literature cited by the submitters: PubMed 9395465; PubMed 18796518.